The following is an entry in ClinVar:

NM_000186.4(CFH):c.3032del (p.Gly1011fs)

Gene: CFH (complement factor H; plus strand). Cytogenetic location: 1q31.3.
Variant type: Deletion.
Coding change: c.3032del on transcript NM_000186.4 (MANE Select); coding-DNA position 3032, one base deleted (G; older notation c.3032delG).
Protein change: p.Gly1011fs; shifts the reading frame from glycine 1011.
Molecular consequence: frameshift variant.
Genome position (GRCh38, 1-based): chr1:196,741,950, G deleted; the last of 3 consecutive G bases (chr1:196,741,948-196,741,950); deleting any one gives the same sequence. VCF-style (leftmost placement, unchanged base first): chr1-196741947-CG-C. GRCh37 (hg19) VCF-style: chr1-196711077-CG-C.
Other names: short protein forms G1011fs.
Identifiers: ClinVar variation 4291529 (VCV004291529.1).
Genomic context (GRCh38, chr1:196,741,947, plus strand): 5'-TCAGTTTACCTAGCTTTGAAAATGCCATACCCATGGGAGAGAAGAAGGATGTGTATAAGG[CG>C]GGTGAGCAAGTGACTTACACTTGTGCAACATATTACAAAATGGATGGAGCCAGTAATGTA-3'

ClinVar aggregate classification (germline): Pathogenic, low penetrance (1 of 4 stars; one submission).

Conditions:
Atypical hemolytic-uremic syndrome. Identifiers: Orphanet 2134, MedGen C2931788, MONDO:0016244.

Submission:

Genomenon, Inc
Classification: Pathogenic, low penetrance for Atypical hemolytic-uremic syndrome. Last evaluated: 2025-10-02. Review status: criteria provided, single submitter. Criteria: Genomenon Sequence Variant Interpretation Standards - Updated. Collection method: curation. Allele origin: germline. Affected: yes.
Comment: CFH p.Gly1011ValfsTer4 (c.3032del) is a frameshift variant that results in the production of a truncated protein which is predicted to undergo nonsense-mediated mRNA decay. This variant has been observed in at least one proband affected with atypical hemolytic-uremic syndrome (PMID:29046944;16621965). It is absent or not present at a significant frequency in gnomAD. In conclusion, we classify CFH p.Gly1011ValfsTer4 (c.3032del) as a pathogenic, low penetrance variant.

Literature cited by the submitters: PubMed 29046944; PubMed 16621965.